The following is an entry in ClinVar:

NM_017617.5(NOTCH1):c.*6G>A

Gene: NOTCH1 (notch receptor 1; minus strand). Cytogenetic location: 9q34.3.
Variant type: single nucleotide variant.
Coding change: c.*6G>A on transcript NM_017617.5 (MANE Select); 6 bases downstream of the stop codon, G replaced by A.
Molecular consequence: 3 prime UTR variant.
Genome position (GRCh38, 1-based): chr9:136,496,065, C>T on the plus strand (G>A on the coding strand, the complement: NOTCH1 is on the minus strand). VCF-style: chr9-136496065-C-T. GRCh37 (hg19) VCF-style: chr9-139390517-C-T.
Other names: c.*6G>A (LRG_1122t1, NM_017617.4).
Identifiers: ClinVar variation 281156 (VCV000281156.11), dbSNP rs73668310, ClinGen allele CA5339630.
Genomic context (GRCh38, chr9:136,496,065, plus strand): 5'-CCACAGAGCGCACACAGACGCCCGAAGGCTTGGGAAAGGAAGCCGGGGTCTCGTGGGGCG[C>T]GCCGTTTACTTGAAGGCCTCCGGAATGCGGGCGATCTGGGACTGCATGCTGGTGGGAGGG-3'

ClinVar aggregate classification (germline): Benign. Review status: criteria provided, multiple submitters, no conflicts (2 of 4 stars). 8 submissions from 7 submitters: Benign (8). Last evaluated 2024-11-26.

Conditions:
Adams-Oliver syndrome 5 (AOS5). Identifiers: Orphanet 974, MedGen C4014970, MONDO:0014459, OMIM 616028.
Familial thoracic aortic aneurysm and aortic dissection (TAAD). Also called: Thoracic aortic aneurysms and dissections. Identifiers: Orphanet 91387, MedGen C4707243, MONDO:0019625.
Aortic valve disease 1 (AOVD1). Identifiers: MedGen C3887892, MONDO:0024523, OMIM 109730.

Allele frequency attached by ClinVar (database versions not stated): gnomAD exomes 0.00389; ExAC 0.00525; gnomAD 0.01374 and 0.01480; ESP Exome Variant Server 0.01402; TOPMed 0.01567; 1000 Genomes Project 0.01677; 1000 Genomes Project 30x 0.01968.
gnomAD v4.1: 4,895 of 1,596,314 alleles (0.31%); highest among the groups gnomAD compares: African/African-American, 4.5%; 83 homozygotes.

Submissions (8):

Blueprint Genetics
Classification: Benign. Last evaluated: 2024-11-26. Review status: criteria provided, single submitter. Criteria: ACMG Guidelines, 2015. Collection method: clinical testing. Allele origin: germline.

Women's Health and Genetics/Laboratory Corporation of America, LabCorp
Classification: Benign. Last evaluated: 2023-05-10. Review status: criteria provided, single submitter. Criteria: LabCorp Variant Classification Summary - May 2015. Collection method: clinical testing. Allele origin: germline.

Genome-Nilou Lab
Classification: Benign for Adams-Oliver syndrome 5. Last evaluated: 2022-03-15. Review status: criteria provided, single submitter. Criteria: ACMG Guidelines, 2015. Collection method: clinical testing. Allele origin: germline. Affected: no.

Genome-Nilou Lab
Classification: Benign for Aortic valve disease 1. Last evaluated: 2022-03-15. Review status: criteria provided, single submitter. Criteria: ACMG Guidelines, 2015. Collection method: clinical testing. Allele origin: germline. Affected: no.

Mayo Clinic Laboratories, Mayo Clinic
Classification: Benign. Last evaluated: 2017-12-01. Review status: criteria provided, single submitter. Criteria: ACMG Guidelines, 2015. Collection method: clinical testing. Allele origin: germline. Observed: 8 variant alleles.

GeneDx
Classification: Benign. Last evaluated: 2016-10-11. Review status: criteria provided, single submitter. Criteria: GeneDx Variant Classification (06012015). Collection method: clinical testing. Allele origin: germline. Affected: yes.
Comment: This variant is considered likely benign or benign based on one or more of the following criteria: it is a conservative change, it occurs at a poorly conserved position in the protein, it is predicted to be benign by multiple in silico algorithms, and/or has population frequency not consistent with disease.

CHEO Genetics Diagnostic Laboratory, Children's Hospital of Eastern Ontario
Classification: Benign for Familial thoracic aortic aneurysm and aortic dissection. Last evaluated: 2016-04-15. Review status: criteria provided, single submitter. Criteria: ACMG Guidelines, 2015. Collection method: clinical testing. Allele origin: germline. Study: Canadian Open Genetics Repository.

Eurofins Ntd Llc (ga)
Classification: Benign. Last evaluated: 2016-02-11. Review status: criteria provided, single submitter. Criteria: EGL Classification Definitions 2015. Collection method: clinical testing. Allele origin: germline. Observed: 2 variant alleles, 1 heterozygote, 1 homozygote.

Literature cited by the submitters: PubMed 24943832 (cited by Women's Health and Genetics/Laboratory Corporation of America, LabCorp); PubMed 16614245 (cited by Women's Health and Genetics/Laboratory Corporation of America, LabCorp); PubMed 21670202 (cited by Women's Health and Genetics/Laboratory Corporation of America, LabCorp); PubMed 22210878 (cited by Women's Health and Genetics/Laboratory Corporation of America, LabCorp); PubMed 19635999 (cited by Women's Health and Genetics/Laboratory Corporation of America, LabCorp); PubMed 26837699 (cited by Women's Health and Genetics/Laboratory Corporation of America, LabCorp); PubMed 23086750 (cited by Women's Health and Genetics/Laboratory Corporation of America, LabCorp); PubMed 19245433 (cited by Women's Health and Genetics/Laboratory Corporation of America, LabCorp); PubMed 22077063 (cited by Women's Health and Genetics/Laboratory Corporation of America, LabCorp); PubMed 15472075 (cited by Women's Health and Genetics/Laboratory Corporation of America, LabCorp); PubMed 23734977 (cited by Women's Health and Genetics/Laboratory Corporation of America, LabCorp); PubMed 22858860 (cited by Women's Health and Genetics/Laboratory Corporation of America, LabCorp).